The following is an entry in ClinVar:

NM_000098.3(CPT2):c.188G>T (p.Arg63Ile)

Gene: CPT2 (carnitine palmitoyltransferase 2; plus strand). Cytogenetic location: 1p32.3.
Variant type: single nucleotide variant.
Coding change: c.188G>T on transcript NM_000098.3 (MANE Select); coding-DNA position 188, G replaced by T.
Protein change: p.Arg63Ile; replaces arginine 63 with isoleucine.
Molecular consequence: missense variant.
Genome position (GRCh38, 1-based): chr1:53,200,754, G>T. VCF-style: chr1-53200754-G-T. GRCh37 (hg19) VCF-style: chr1-53666426-G-T.
Other names: c.188G>T, p.Arg63Ile (NM_001330589.2); short protein forms R63I.
Identifiers: ClinVar variation 1051185 (VCV001051185.9), dbSNP rs748182542, ClinGen allele CA340389126.

ClinVar aggregate classification (germline): Pathogenic (1 of 4 stars; one submission).

Conditions:
Carnitine palmitoyltransferase II deficiency. Also called: Carnitine Palmitoyltransferase 2 Deficiency. Identifiers: Orphanet 157, MedGen C0342790, MONDO:0015515.

Submission:

Labcorp Genetics (formerly Invitae), Labcorp
Classification: Pathogenic for Carnitine palmitoyltransferase II deficiency. Last evaluated: 2021-03-04. Review status: criteria provided, single submitter. Criteria: Invitae Variant Classification Sherloc (09022015). Collection method: clinical testing. Allele origin: germline.
Comment: This sequence change replaces arginine with isoleucine at codon 63 of the CPT2 protein (p.Arg63Ile). The arginine residue is highly conserved and there is a moderate physicochemical difference between arginine and isoleucine. This variant is not present in population databases (ExAC no frequency). This variant has been observed in an individual with carnitine palmitoyltransferase II deficiency (external communication). It has also been observed to segregate with disease in related individuals. Advanced modeling of protein sequence and biophysical properties (such as structural, functional, and spatial information, amino acid conservation, physicochemical variation, residue mobility, and thermodynamic stability) performed at Invitae indicates that this missense variant is expected to disrupt CPT2 protein function. For these reasons, this variant has been classified as Pathogenic.